The following is an entry in ClinVar:

NM_000238.4(KCNH2):c.3260G>A (p.Gly1087Asp)

Gene: KCNH2 (potassium voltage-gated channel subfamily H member 2; minus strand). Cytogenetic location: 7q36.1.
Variant type: single nucleotide variant.
Coding change: c.3260G>A on transcript NM_000238.4 (MANE Select); coding-DNA position 3260, G replaced by A.
Protein change: p.Gly1087Asp; replaces glycine 1087 with aspartic acid.
Molecular consequence: missense variant. On other transcripts: non-coding transcript variant (2).
Genome position (GRCh38, 1-based): chr7:150,946,947, C>T on the plus strand (G>A on the coding strand, the complement: KCNH2 is on the minus strand). VCF-style: chr7-150946947-C-T. GRCh37 (hg19) VCF-style: chr7-150644035-C-T.
Other names: c.2240G>A, p.Gly747Asp (NM_172057.3); c.2972G>A, p.Gly991Asp (NM_001406753.1); short protein forms G747D, G991D, G1087D.
Identifiers: ClinVar variation 3703894 (VCV003703894.2).

ClinVar aggregate classification (germline): Uncertain significance (1 of 4 stars; one submission).

Conditions:
Long QT syndrome (LQTS). Identifiers: MedGen C0023976, MeSH D008133, MONDO:0002442. Disease mechanism: loss of function. Inheritance: Various modes of inheritance.

Submission:

Labcorp Genetics (formerly Invitae), Labcorp
Classification: Uncertain significance for Long QT syndrome. Last evaluated: 2024-08-19. Review status: criteria provided, single submitter. Criteria: Invitae Variant Classification Sherloc (09022015). Collection method: clinical testing. Allele origin: germline.
Comment: This sequence change replaces glycine, which is neutral and non-polar, with aspartic acid, which is acidic and polar, at codon 1087 of the KCNH2 protein (p.Gly1087Asp). This variant is not present in population databases (gnomAD no frequency). This variant has not been reported in the literature in individuals affected with KCNH2-related conditions. An algorithm developed to predict the effect of missense changes on protein structure and function (PolyPhen-2) suggests that this variant is likely to be tolerated. In summary, the available evidence is currently insufficient to determine the role of this variant in disease. Therefore, it has been classified as a Variant of Uncertain Significance.